The following is an entry in ClinVar:

NM_000059.4(BRCA2):c.7313A>G (p.Asp2438Gly)

Gene: BRCA2 (BRCA2 DNA repair associated; plus strand). Cytogenetic location: 13q13.1.
Variant type: single nucleotide variant.
Coding change: c.7313A>G on transcript NM_000059.4 (MANE Select); coding-DNA position 7313, A replaced by G.
Protein change: p.Asp2438Gly; replaces aspartic acid 2438 with glycine.
Molecular consequence: missense variant.
Genome position (GRCh38, 1-based): chr13:32,355,166, A>G. VCF-style: chr13-32355166-A-G. GRCh37 (hg19) VCF-style: chr13-32929303-A-G.
Other names: short protein forms D2438G.
Identifiers: ClinVar variation 52308 (VCV000052308.27), dbSNP rs80358957, ClinGen allele CA025026.

ClinVar aggregate classification (germline): Conflicting classifications of pathogenicity. Review status: criteria provided, conflicting classifications (1 of 4 stars). 10 submissions from 10 submitters: Uncertain significance (6); Likely benign (2). 2 of the submissions do not count toward it. Last evaluated 2025-09-23.

Conditions:
Breast and/or ovarian cancer. Identifiers: MedGen CN221562.
Hereditary breast ovarian cancer syndrome. Also called: Hereditary breast and ovarian cancer syndrome; Hereditary breast and ovarian cancer; Hereditary breast and ovarian cancer syndrome (HBOC); Breast and ovarian cancer; Hereditary breast and/or ovarian cancer syndrome; BRCA1- and BRCA2-Associated Hereditary Breast and Ovarian Cancer. Identifiers: Orphanet 145, MedGen C0677776, MeSH D061325, MONDO:0003582. Disease mechanism: loss of function.
Hereditary cancer-predisposing syndrome. Also called: Neoplastic Syndromes, Hereditary; Tumor predisposition; Hereditary neoplastic syndrome; Hereditary Cancer Syndrome. Identifiers: Orphanet 140162, MedGen C0027672, MeSH D009386, MONDO:0015356.
Breast-ovarian cancer, familial, susceptibility to, 2 (BROVCA2). Also called: BRCA2 Hereditary Breast and Ovarian Cancer. Identifiers: Orphanet 145, MedGen C2675520, MONDO:0012933, OMIM 612555. Disease mechanism: loss of function.

Allele frequency attached by ClinVar (database versions not stated): TOPMed below 0.00001.
gnomAD v4.1: 1 of 1,613,464 alleles (0.000062%); highest among the groups gnomAD compares: Non-Finnish European, 0.000085%; no homozygotes.

Submissions (10):

Color Diagnostics, LLC DBA Color Health
Classification: Uncertain significance for Hereditary cancer-predisposing syndrome. Last evaluated: 2025-09-23. Review status: criteria provided, single submitter. Criteria: ACMG Guidelines, 2015. Collection method: clinical testing. Allele origin: germline.
Comment: This missense variant replaces aspartic acid with glycine at codon 2438 of the BRCA2 protein. Computational prediction suggests that this variant may not impact protein structure and function. To our knowledge, functional studies have not been reported for this variant. This variant has been detected in a breast cancer case-control meta-analysis in 0/60466 cases and 1/53461 unaffected individuals (PMID: 33471991Leiden Open Variation Database DB-ID BRCA2_008588), and in two individuals affected with pancreatic ductal adenocarcinoma and a suspected hereditary breast and ovarian cancer family (PMID: 10882858, 33747920). Multifactorial analysis on clinical data has reached a combined likelihood ratio (LR) of 6.726 from published LR for 3 carriers (PMID: 31131967, 31853058). This variant has not been identified in the general population by the Genome Aggregation Database (gnomAD). The available evidence is insufficient to determine the role of this variant in disease conclusively. Therefore, this variant is classified as a Variant of Uncertain Significance.

Labcorp Genetics (formerly Invitae), Labcorp
Classification: Uncertain significance for Hereditary breast ovarian cancer syndrome. Last evaluated: 2025-07-21. Review status: criteria provided, single submitter. Criteria: Invitae Variant Classification Sherloc (09022015). Collection method: clinical testing. Allele origin: germline.
Comment: This sequence change replaces aspartic acid, which is acidic and polar, with glycine, which is neutral and non-polar, at codon 2438 of the BRCA2 protein (p.Asp2438Gly). This variant is not present in population databases (gnomAD no frequency). This missense change has been observed in individual(s) with pancreatic ductal adenocarcinoma (PMID: 33747920). ClinVar contains an entry for this variant (Variation ID: 52308). Invitae Evidence Modeling of protein sequence and biophysical properties (such as structural, functional, and spatial information, amino acid conservation, physicochemical variation, residue mobility, and thermodynamic stability) indicates that this missense variant is not expected to disrupt BRCA2 protein function with a negative predictive value of 95%. In summary, the available evidence is currently insufficient to determine the role of this variant in disease. Therefore, it has been classified as a Variant of Uncertain Significance.

All of Us Research Program, National Institutes of Health
Classification: Uncertain significance for Breast-ovarian cancer, familial, susceptibility to, 2. Last evaluated: 2023-04-27. Review status: criteria provided, single submitter. Criteria: ACMG Guidelines, 2015. Collection method: clinical testing. Allele origin: germline. Inheritance: Autosomal dominant inheritance. Observed: 2 variant alleles, 2 heterozygotes.
Comment: This missense variant replaces aspartic acid with glycine at codon 2438 of the BRCA2 protein. Computational prediction suggests that this variant may not impact protein structure and function (internally defined REVEL score threshold <= 0.5, PMID: 27666373). To our knowledge, functional studies have not been reported for this variant. This variant has been reported in individuals at high risk for breast/ovarian cancer (PMID: 10882858). This variant has not been identified in the general population by the Genome Aggregation Database (gnomAD). The available evidence is insufficient to determine the role of this variant in disease conclusively. Therefore, this variant is classified as a Variant of Uncertain Significance.

This study involves interpretation of variants in research participants for the purpose of population health screening. Participant phenotype was not available at the time of variant classification. Additional details can be found in publication PMID: 35346344, PMCID: PMC8962531

CHEO Genetics Diagnostic Laboratory, Children's Hospital of Eastern Ontario
Classification: Uncertain significance for Breast and/or ovarian cancer. Last evaluated: 2021-10-12. Review status: criteria provided, single submitter. Criteria: ACMG Guidelines, 2015. Collection method: clinical testing. Allele origin: germline.

Sema4
Classification: Uncertain significance for Hereditary cancer-predisposing syndrome. Last evaluated: 2021-08-17. Review status: criteria provided, single submitter. Criteria: Sema4 Curation Guidelines. Collection method: curation. Allele origin: germline.
Comment: The BRCA2 c.7313A>G (p.D2438G) variant has been reported in at least two individuals with pancreatic cancer and in at least one individual with a high risk for breast and/or ovarian cancer however, it was also seen in controls (PMID: 33747920, 10882858, 33471991). It was not observed in the large and broad cohorts of the Genome Aggregation Database (PMID: 32461654). The variant has been reported in ClinVar (Variation ID 52308). Functional studies have not been performed, and in silico predictions of the variant's effect on protein function are inconclusive. The evidence is insufficient to meet ACMG/AMP criteria for classifying the variant as benign or pathogenic. Thus, the clinical significance of this variant is currently uncertain.

Ambry Genetics
Classification: Likely benign for Hereditary cancer-predisposing syndrome. Last evaluated: 2019-02-25. Review status: criteria provided, single submitter. Criteria: Ambry Variant Classification Scheme 2023. Collection method: clinical testing. Allele origin: germline.

GeneDx
Classification: Likely benign. Last evaluated: 2017-07-27. Review status: criteria provided, single submitter. Criteria: GeneDx Variant Classification (06012015). Collection method: clinical testing. Allele origin: germline. Affected: yes.
Comment: This variant is considered likely benign or benign based on one or more of the following criteria: it is a conservative change, it occurs at a poorly conserved position in the protein, it is predicted to be benign by multiple in silico algorithms, and/or has population frequency not consistent with disease.

Quest Diagnostics Nichols Institute San Juan Capistrano
Classification: Uncertain significance. Last evaluated: 2016-12-15. Review status: criteria provided, single submitter. Criteria: Quest Diagnostics criteria. Collection method: clinical testing. Allele origin: germline.

Counsyl
Classification: Uncertain significance for Breast-ovarian cancer, familial, susceptibility to, 2. Last evaluated: 2017-07-27. Review status: no assertion criteria provided. Collection method: clinical testing. Allele origin: unknown. Not counted in ClinVar's aggregate classification.

Breast Cancer Information Core (BIC) (BRCA2)
Classification: Uncertain significance for Breast-ovarian cancer, familial 2. Last evaluated: 2004-02-20. Review status: no assertion criteria provided. Collection method: clinical testing. Allele origin: germline. Affected: yes. Observed: 3 variant alleles. Not counted in ClinVar's aggregate classification.

Literature cited by the submitters: PubMed 10882858 (cited by 6 submitters); PubMed 31131967 (cited by Color Diagnostics, LLC DBA Color Health); PubMed 31853058 (cited by Color Diagnostics, LLC DBA Color Health); PubMed 33471991 (cited by Color Diagnostics, LLC DBA Color Health and Sema4); PubMed 33747920 (cited by 3 submitters).